The following is an entry in ClinVar:

NM_144991.3(TSPEAR):c.138C>T (p.Ser46=)

Gene: TSPEAR (thrombospondin type laminin G domain and EAR repeats; minus strand). Cytogenetic location: 21q22.3.
Variant type: single nucleotide variant.
Coding change: c.138C>T on transcript NM_144991.3 (MANE Select); coding-DNA position 138, C replaced by T.
Protein change: p.Ser46=; no amino-acid change (serine 46 retained).
Molecular consequence: synonymous variant. On other transcripts: 5 prime UTR variant (1).
Genome position (GRCh38, 1-based): chr21:44,567,950, G>A on the plus strand (C>T on the coding strand, the complement: TSPEAR is on the minus strand). VCF-style: chr21-44567950-G-A. GRCh37 (hg19) VCF-style: chr21-45987834-G-A.
Other names: c.-67C>T (NM_001272037.2).
Identifiers: ClinVar variation 505088 (VCV000505088.14), dbSNP rs781956758, ClinGen allele CA10058080.
Genomic context (GRCh38, chr21:44,567,950, plus strand): 5'-GGGGGCGGCTACTGAGAGCTGGAGTCCCCGTGCACCGTGAACCTGAACTATCCTGATCCC[G>A]CTTGTGGCGCCATCAGAAGGGACCACTTCCGCCAGGATGTCCAGGGGGCGCAGGTCTGTG-3'
Protein context (NP_659428.2, residues 36-56): AEVVPSDGAT[Ser46=]GIRIVQVHGA

ClinVar aggregate classification (germline): Likely benign. Review status: criteria provided, multiple submitters, no conflicts (2 of 4 stars). 3 submissions from 3 submitters: Likely benign (3). Last evaluated 2025-12-03.

Allele frequency attached by ClinVar (database versions not stated): gnomAD 0.00012; TOPMed 0.00017; gnomAD exomes 0.00024; ExAC 0.00028.
gnomAD v4.1: 170 of 1,579,080 alleles (0.011%); highest among the groups gnomAD compares: Admixed American, 0.078%; no homozygotes.

Submissions (3):

Labcorp Genetics (formerly Invitae), Labcorp
Classification: Likely benign. Last evaluated: 2025-12-03. Review status: criteria provided, single submitter. Criteria: Invitae Variant Classification Sherloc (09022015). Collection method: clinical testing. Allele origin: germline.

GeneDx
Classification: Likely benign. Last evaluated: 2020-08-18. Review status: criteria provided, single submitter. Criteria: GeneDx Variant Classification Process June 2021. Collection method: clinical testing. Allele origin: germline. Affected: yes.

Laboratory for Molecular Medicine, Mass General Brigham Personalized Medicine
Classification: Likely benign. Last evaluated: 2016-06-09. Review status: criteria provided, single submitter. Criteria: LMM Criteria. Collection method: clinical testing. Allele origin: germline. Observed: 1 variant allele.
Comment: p.Ser46Ser in exon 2 of TSPEAR: This variant is not expected to have clinical si gnificance because it does not alter an amino acid residue and is not located wi thin the splice consensus sequence. It has been identified in 0.2% (19/11524) of Latino chromosomes by the Exome Aggregation Consortium (ExAC; dbSNP rs781956758).